The following is an entry in ClinVar:

ClinVar aggregate classification (germline): Uncertain significance. Review status: criteria provided, multiple submitters, no conflicts (2 of 4 stars). 3 submissions from 3 submitters: Uncertain significance (2). 1 of the submissions does not count toward it. Last evaluated 2026-09-08.

Conditions:
Cardiomyopathy (CMYO). Also called: Cardiomyopathies. Identifiers: Orphanet 167848, MedGen C0878544, MONDO:0004994, HP:0001638. Inheritance: Various modes of inheritance.
Becker muscular dystrophy (BMD). Also called: MUSCULAR DYSTROPHY, PSEUDOHYPERTROPHIC PROGRESSIVE, BECKER TYPE; Becker Muscular Dystrophy (BMD). Identifiers: Orphanet 98895, MedGen C0917713, MONDO:0010311, OMIM 300376.
Duchenne muscular dystrophy (DMD). Also called: Duchenne Muscular Dystrophy (DMD); MUSCULAR DYSTROPHY, PSEUDOHYPERTROPHIC PROGRESSIVE, DUCHENNE TYPE. Identifiers: Orphanet 98896, MedGen C0013264, MONDO:0010679, OMIM 310200.
Dystrophin deficiency.

Allele frequency attached by ClinVar (database versions not stated): TOPMed below 0.00001; gnomAD 0.00001.
gnomAD v4.1: 6 of 1,159,500 alleles (0.00052%); highest among the groups gnomAD compares: East Asian, 0.0061%; no homozygotes.

Submissions (3):

GeneDx
Classification: Uncertain significance. Last evaluated: 2026-09-08. Review status: criteria provided, single submitter. Criteria: GeneDx Variant Classification Process June 2021. Collection method: clinical testing. Allele origin: germline.
Comment: In silico analysis supports a deleterious effect on splicing; Has not been previously published as pathogenic or benign to our knowledge

Labcorp Genetics (formerly Invitae), Labcorp
Classification: Uncertain significance for Duchenne muscular dystrophy. Last evaluated: 2025-11-11. Review status: criteria provided, single submitter. Criteria: Invitae Variant Classification Sherloc (09022015). Collection method: clinical testing. Allele origin: germline.
Comment: This sequence change falls in intron 74 of the DMD gene. It does not directly change the encoded amino acid sequence of the DMD protein. The frequency data for this variant in the population databases is considered unreliable, as metrics indicate poor data quality at this position in the gnomAD database. This variant has not been reported in the literature in individuals affected with DMD-related conditions. ClinVar contains an entry for this variant (Variation ID: 94440). Algorithms developed to predict the effect of sequence changes on RNA splicing suggest that this variant may create or strengthen a splice site. In summary, the available evidence is currently insufficient to determine the role of this variant in disease. Therefore, it has been classified as a Variant of Uncertain Significance.

Natera, Inc.
Classification: Uncertain significance for Becker muscular dystrophy; Cardiomyopathy; Duchenne muscular dystrophy; Dystrophin deficiency. Last evaluated: 2018-11-02. Review status: no assertion criteria provided. Collection method: clinical testing. Allele origin: germline. Not counted in ClinVar's aggregate classification.

NM_004006.3(DMD):c.10554-4A>G

Gene: DMD (dystrophin; minus strand). Cytogenetic location: Xp21.2.
Variant type: single nucleotide variant.
Coding change: c.10554-4A>G on transcript NM_004006.3 (MANE Select); 4 bases into the intron before coding-DNA position 10554, A replaced by G.
Molecular consequence: intron variant.
Genome position (GRCh38, 1-based): chrX:31,147,522, T>C on the plus strand (A>G on the coding strand, the complement: DMD is on the minus strand). VCF-style: chrX-31147522-T-C. GRCh37 (hg19) VCF-style: chrX-31165639-T-C.
Other names: c.10530-4A>G (NM_000109.4); c.6531-4A>G (NM_004011.4); c.6522-4A>G (NM_004012.4); c.2844-4A>G (NM_004023.3, NM_004020.4); c.3135-4A>G (NM_004022.3); c.3174-4A>G (NM_004021.3, NM_004013.3); c.2367-4A>G (NM_004014.3); c.1311-4A>G (NM_004018.3, NM_004017.3); and 3 more.
Identifiers: ClinVar variation 94440 (VCV000094440.7), dbSNP rs398123841, ClinGen allele CA222276.